The following is an entry in ClinVar:

NM_022455.5(NSD1):c.5510-10G>A

Gene: NSD1 (nuclear receptor binding SET domain protein 1; plus strand). Cytogenetic location: 5q35.3.
Variant type: single nucleotide variant.
Coding change: c.5510-10G>A on transcript NM_022455.5 (MANE Select); 10 bases into the intron before coding-DNA position 5510, G replaced by A.
Molecular consequence: intron variant.
Genome position (GRCh38, 1-based): chr5:177,273,662, G>A. VCF-style: chr5-177273662-G-A. GRCh37 (hg19) VCF-style: chr5-176700663-G-A.
Other names: c.5510-10G>A (NM_001409301.1, NM_001409302.1, NM_001409303.1); c.5090-10G>A (NM_001409304.1); c.4757-10G>A (NM_001409305.1); c.4748-10G>A (NM_001409306.1, NM_001409307.1); c.4637-10G>A (NM_001409308.1, NM_172349.5, NM_001409309.1 and 1 more transcripts).
Identifiers: ClinVar variation 697257 (VCV000697257.12), dbSNP rs767198805, ClinGen allele CA3577845.

ClinVar aggregate classification (germline): Likely benign. Review status: criteria provided, multiple submitters, no conflicts (2 of 4 stars). 3 submissions from 3 submitters: Likely benign (2). 1 of the submissions does not count toward it. Last evaluated 2024-10-30.

Conditions:
Sotos syndrome (SOTOS). Also called: CHROMOSOME 5q35 DELETION SYNDROME; CEREBRAL GIGANTISM; Sotos' syndrome; SOTOS SYNDROME 1; Distinctive facial appearance, overgrowth in childhood, and learning disabilities or delayed development. Identifiers: Orphanet 821, MedGen C0175695, MONDO:0019349, OMIM 117550.
NSD1-related disorder. Also called: NSD1-related condition.

Allele frequency attached by ClinVar (database versions not stated): TOPMed 0.00005; ExAC 0.00002; gnomAD exomes 0.00001; gnomAD 0.00001 and 0.00002.
gnomAD v4.1: 35 of 1,598,178 alleles (0.0022%); highest among the groups gnomAD compares: East Asian, 0.022%; no homozygotes.

Submissions (3):

Labcorp Genetics (formerly Invitae), Labcorp
Classification: Likely benign. Last evaluated: 2024-10-30. Review status: criteria provided, single submitter. Criteria: Invitae Variant Classification Sherloc (09022015). Collection method: clinical testing. Allele origin: germline.

Fulgent Genetics
Classification: Likely benign for Sotos syndrome. Last evaluated: 2022-01-14. Review status: criteria provided, single submitter. Criteria: ACMG Guidelines, 2015. Collection method: clinical testing. Allele origin: unknown.

PreventionGenetics, part of Exact Sciences
Classification: Likely benign for NSD1-related condition. Last evaluated: 2022-07-26. Review status: no assertion criteria provided. Collection method: clinical testing. Allele origin: germline. Not counted in ClinVar's aggregate classification.
Comment: This variant is classified as likely benign based on ACMG/AMP sequence variant interpretation guidelines (Richards et al. 2015 PMID: 25741868, with internal and published modifications).